The following is an entry in ClinVar:

NM_001256715.2(DNAAF3):c.350G>A (p.Trp117Ter)

Genes: DNAAF3-AS1 (DNAAF3 antisense RNA 1; plus strand), DNAAF3 (dynein axonemal assembly factor 3; minus strand). Cytogenetic location: 19q13.42.
Variant type: single nucleotide variant.
Coding change: c.350G>A on transcript NM_001256715.2 (MANE Select); coding-DNA position 350, G replaced by A.
Protein change: p.Trp117Ter; replaces tryptophan 117 with a stop codon.
Molecular consequence: nonsense.
Genome position (GRCh38, 1-based): chr19:55,162,263, C>T on the plus strand (G>A on the coding strand, the complement: DNAAF3 is on the minus strand). VCF-style: chr19-55162263-C-T. GRCh37 (hg19) VCF-style: chr19-55673631-C-T.
Other names: c.554G>A, p.Trp185Ter (NM_001256714.1); c.188G>A, p.Trp63Ter (NM_001256716.2); c.491G>A, p.Trp164Ter (NM_178837.4); short protein forms W185*, W164*, W117*, W63*.
Identifiers: ClinVar variation 572342 (VCV000572342.12), dbSNP rs770403610, ClinGen allele CA310155304.
Genomic context (GRCh38, chr19:55,162,263, plus strand): 5'-AGCAGGTCGGCCTGGGCACGCACGAAGGCGGCCACTGGCGGGCGCAGCAGCGCGTTCCCC[C>T]ACACTTCCAGGAAGGTCTCGCTTCGCTCTACGGAGAGAGGGAGATAATTGCGGGAATGTG-3'

ClinVar aggregate classification (germline): Pathogenic. Review status: criteria provided, multiple submitters, no conflicts (2 of 4 stars). 2 submissions from 2 submitters: Pathogenic (2). Last evaluated 2025-01-06.

Conditions:
Primary ciliary dyskinesia. Also called: Ciliary dyskinesia. Identifiers: Orphanet 244, MedGen C0008780, MONDO:0016575, HP:0012265.
Primary ciliary dyskinesia 2. Also called: CILIARY DYSKINESIA, PRIMARY, 2, WITH OR WITHOUT SITUS INVERSUS. Identifiers: Orphanet 244, MedGen C1847554, MONDO:0011718, OMIM 606763.

Allele frequency attached by ClinVar (database versions not stated): gnomAD 0.00002; TOPMed 0.00002.

Submissions (2):

Labcorp Genetics (formerly Invitae), Labcorp
Classification: Pathogenic for Primary ciliary dyskinesia. Last evaluated: 2025-01-06. Review status: criteria provided, single submitter. Criteria: Invitae Variant Classification Sherloc (09022015). Collection method: clinical testing. Allele origin: germline.
Comment: This sequence change creates a premature translational stop signal (p.Trp185*) in the DNAAF3 gene. It is expected to result in an absent or disrupted protein product. Loss-of-function variants in DNAAF3 are known to be pathogenic (PMID: 22387996). This variant is not present in population databases (gnomAD no frequency). This premature translational stop signal has been observed in individual(s) with DNAAF3-related conditions (internal data). ClinVar contains an entry for this variant (Variation ID: 572342). For these reasons, this variant has been classified as Pathogenic.

Fulgent Genetics
Classification: Pathogenic for Primary ciliary dyskinesia 2. Last evaluated: 2018-10-31. Review status: criteria provided, single submitter. Criteria: ACMG Guidelines, 2015. Collection method: clinical testing. Allele origin: unknown.

Literature cited by the submitters: PubMed 22387996 (cited by Labcorp Genetics (formerly Invitae), Labcorp).